The following is an entry in ClinVar:

ClinVar aggregate classification (germline): Uncertain significance (1 of 4 stars; one submission).

Conditions:
Duchenne muscular dystrophy (DMD). Also called: MUSCULAR DYSTROPHY, PSEUDOHYPERTROPHIC PROGRESSIVE, DUCHENNE TYPE; Duchenne Muscular Dystrophy (DMD). Identifiers: Orphanet 98896, MedGen C0013264, MONDO:0010679, OMIM 310200.

Submission:

Labcorp Genetics (formerly Invitae), Labcorp
Classification: Uncertain significance for Duchenne muscular dystrophy. Last evaluated: 2023-08-08. Review status: criteria provided, single submitter. Criteria: Invitae Variant Classification Sherloc (09022015). Collection method: clinical testing. Allele origin: unknown.
Comment: Experimental studies and prediction algorithms are not available or were not evaluated, and the functional significance of this variant is currently unknown. In summary, the available evidence is currently insufficient to determine the role of this variant in disease. Therefore, it has been classified as a Variant of Uncertain Significance. This variant has not been reported in the literature in individuals affected with DMD-related conditions. This variant results in a copy number gain of the genomic region encompassing exon(s) 47-51 of the DMD gene. While the exact position of this variant cannot be determined from the data, sub-genic copy number gains are generally in tandem (PMID: 25640679). This variant is predicted to be in-frame, and likely preserves the integrity of the reading frame.

Literature cited by the submitters: PubMed 25640679.

NC_000023.10:g.(?_31792057)_(31947882_?)dup

Gene: DMD (dystrophin; minus strand). Cytogenetic location: Xp21.1.
Variant type: Duplication.
Identifiers: ClinVar variation 3243131 (VCV003243131.1).